The following is an entry in ClinVar:

NM_004655.4(AXIN2):c.2253G>A (p.Lys751=)

Gene: AXIN2 (axin 2; minus strand). Cytogenetic location: 17q24.1.
Variant type: single nucleotide variant.
Coding change: c.2253G>A on transcript NM_004655.4 (MANE Select); coding-DNA position 2253, G replaced by A.
Protein change: p.Lys751=; no amino-acid change (lysine 751 retained).
Molecular consequence: synonymous variant.
Genome position (GRCh38, 1-based): chr17:65,534,064, C>T on the plus strand (G>A on the coding strand, the complement: AXIN2 is on the minus strand). VCF-style: chr17-65534064-C-T. GRCh37 (hg19) VCF-style: chr17-63530182-C-T.
Other names: c.2058G>A, p.Lys686= (NM_001363813.1); c.2253G>A (NM_004655.3).
Identifiers: ClinVar variation 1089698 (VCV001089698.11), dbSNP rs776281840, ClinGen allele CA8718338.

ClinVar aggregate classification (germline): Benign/Likely benign. Review status: criteria provided, multiple submitters, no conflicts (2 of 4 stars). 3 submissions from 3 submitters: Benign (1); Likely benign (2). Last evaluated 2024-07-10.

Conditions:
Hereditary cancer-predisposing syndrome. Also called: Hereditary Cancer Syndrome; Neoplastic Syndromes, Hereditary; Hereditary neoplastic syndrome; Tumor predisposition. Identifiers: Orphanet 140162, MedGen C0027672, MeSH D009386, MONDO:0015356.
Oligodontia-cancer predisposition syndrome. Also called: TOOTH AGENESIS-COLORECTAL CANCER SYNDROME. Identifiers: Orphanet 300576, MedGen C1837750, MONDO:0012075, OMIM 608615. Disease mechanism: loss of function.

gnomAD v4.1: 1 of 1,614,238 alleles (0.000062%); highest among the groups gnomAD compares: Non-Finnish European, 0.000085%; no homozygotes.

Submissions (3):

Myriad Genetics, Inc.
Classification: Benign for Oligodontia-cancer predisposition syndrome. Last evaluated: 2024-07-10. Review status: criteria provided, single submitter. Criteria: Myriad Autosomal Dominant, Autosomal Recessive and X-Linked Classification Criteria (2023). Collection method: clinical testing. Allele origin: unknown.
Comment: This variant is considered benign. This variant is a silent/synonymous amino acid change and it is not expected to impact splicing.

Labcorp Genetics (formerly Invitae), Labcorp
Classification: Likely benign for Oligodontia-cancer predisposition syndrome. Last evaluated: 2024-06-11. Review status: criteria provided, single submitter. Criteria: Invitae Variant Classification Sherloc (09022015). Collection method: clinical testing. Allele origin: germline.

Ambry Genetics
Classification: Likely benign for Hereditary cancer-predisposing syndrome. Last evaluated: 2024-01-30. Review status: criteria provided, single submitter. Criteria: Ambry Variant Classification Scheme 2023. Collection method: clinical testing. Allele origin: germline.